The following is an entry in ClinVar:

NM_015158.5(KANK1):c.1735G>A (p.Asp579Asn)

Gene: KANK1 (KN motif and ankyrin repeat domains 1; plus strand). Cytogenetic location: 9p24.3.
Variant type: single nucleotide variant.
Coding change: c.1735G>A on transcript NM_015158.5 (MANE Select); coding-DNA position 1735, G replaced by A.
Protein change: p.Asp579Asn; replaces aspartic acid 579 with asparagine.
Molecular consequence: missense variant. On other transcripts: non-coding transcript variant (1).
Genome position (GRCh38, 1-based): chr9:712,501, G>A. VCF-style: chr9-712501-G-A. GRCh37 (hg19) VCF-style: chr9-712501-G-A.
Other names: c.1735G>A, p.Asp579Asn (NM_001256876.3, NM_001256877.3, NM_001354331.2 and 2 more transcripts); c.1261G>A, p.Asp421Asn (NM_001354333.2, NM_001354335.2, NM_001354336.2 and 9 more transcripts); short protein forms D421N, D579N.
Identifiers: ClinVar variation 2544397 (VCV002544397.4), dbSNP rs763297076, ClinGen allele CA4960300.

ClinVar aggregate classification (germline): Uncertain significance. Review status: criteria provided, multiple submitters, no conflicts (2 of 4 stars). 2 submissions from 2 submitters: Uncertain significance (2). Last evaluated 2024-08-19.

Allele frequency attached by ClinVar (database versions not stated): ExAC 0.00002; gnomAD 0.00002; gnomAD exomes 0.00002; TOPMed 0.00002.
gnomAD v4.1: 29 of 1,614,080 alleles (0.0018%); highest among the groups gnomAD compares: East Asian, 0.049%; no homozygotes.

Submissions (2):

Labcorp Genetics (formerly Invitae), Labcorp
Classification: Uncertain significance. Last evaluated: 2024-08-19. Review status: criteria provided, single submitter. Criteria: Invitae Variant Classification Sherloc (09022015). Collection method: clinical testing. Allele origin: germline.
Comment: This sequence change replaces aspartic acid, which is acidic and polar, with asparagine, which is neutral and polar, at codon 579 of the KANK1 protein (p.Asp579Asn). This variant is present in population databases (rs763297076, gnomAD 0.04%). This variant has not been reported in the literature in individuals affected with KANK1-related conditions. ClinVar contains an entry for this variant (Variation ID: 2544397). Invitae Evidence Modeling of protein sequence and biophysical properties (such as structural, functional, and spatial information, amino acid conservation, physicochemical variation, residue mobility, and thermodynamic stability) indicates that this missense variant is not expected to disrupt KANK1 protein function with a negative predictive value of 80%. In summary, the available evidence is currently insufficient to determine the role of this variant in disease. Therefore, it has been classified as a Variant of Uncertain Significance.

Ambry Genetics
Classification: Uncertain significance. Last evaluated: 2023-05-05. Review status: criteria provided, single submitter. Criteria: Ambry Variant Classification Scheme 2023. Collection method: clinical testing. Allele origin: germline.